The following is an entry in ClinVar:

NM_000059.4(BRCA2):c.8969G>A (p.Trp2990Ter)

Gene: BRCA2 (BRCA2 DNA repair associated; plus strand). Cytogenetic location: 13q13.1.
Variant type: single nucleotide variant.
Coding change: c.8969G>A on transcript NM_000059.4 (MANE Select); coding-DNA position 8969, G replaced by A.
Protein change: p.Trp2990Ter; replaces tryptophan 2990 with a stop codon.
Molecular consequence: nonsense.
Genome position (GRCh38, 1-based): chr13:32,379,765, G>A. VCF-style: chr13-32379765-G-A. GRCh37 (hg19) VCF-style: chr13-32953902-G-A.
Other names: 9197G>A; short protein forms W2990X.
Identifiers: ClinVar variation 126195 (VCV000126195.24), dbSNP rs80359148, ClinGen allele CA025903.

ClinVar aggregate classification (germline): Pathogenic. Review status: reviewed by expert panel (3 of 4 stars). 9 submissions from 9 submitters: Pathogenic (1). 8 of the submissions do not count toward it. Last evaluated 2016-09-08.

Conditions:
Hereditary cancer-predisposing syndrome. Also called: Tumor predisposition; Hereditary Cancer Syndrome; Neoplastic Syndromes, Hereditary; Hereditary neoplastic syndrome. Identifiers: Orphanet 140162, MedGen C0027672, MeSH D009386, MONDO:0015356.
Hereditary breast ovarian cancer syndrome. Also called: Hereditary breast and ovarian cancer; Hereditary breast and/or ovarian cancer syndrome; BRCA1- and BRCA2-Associated Hereditary Breast and Ovarian Cancer; Hereditary breast and ovarian cancer syndrome; Hereditary breast and ovarian cancer syndrome (HBOC); Breast and ovarian cancer. Identifiers: Orphanet 145, MedGen C0677776, MeSH D061325, MONDO:0003582. Disease mechanism: loss of function.
Breast-ovarian cancer, familial, susceptibility to, 2 (BROVCA2). Also called: BRCA2 Hereditary Breast and Ovarian Cancer. Identifiers: Orphanet 145, MedGen C2675520, MONDO:0012933, OMIM 612555. Disease mechanism: loss of function.
Familial cancer of breast. Also called: BREAST CANCER, FAMILIAL; Hereditary breast cancer; hereditary breast carcinoma. Identifiers: Orphanet 227535, MedGen C0346153, MONDO:0016419, OMIM 114480. Disease mechanism: loss of function.

Submissions (9):

Evidence-based Network for the Interpretation of Germline Mutant Alleles (ENIGMA)
Classification: Pathogenic for Breast-ovarian cancer, familial, susceptibility to, 2. Last evaluated: 2016-09-08. Review status: reviewed by expert panel. Criteria: ENIGMA BRCA1/2 Classification Criteria (2015). Collection method: curation. Allele origin: germline.
Comment: Variant allele predicted to encode a truncated non-functional protein.

GeneDx
Classification: Pathogenic. Last evaluated: 2025-07-28. Review status: criteria provided, single submitter. Criteria: GeneDx Variant Classification Process June 2021. Collection method: clinical testing. Allele origin: germline. Affected: yes. Not counted in ClinVar's aggregate classification.
Comment: Observed in individuals with BRCA2-related cancers (PMID: 20104584, 26296701, 26287763, 30039884, 30350268); Predicted to result in protein truncation or nonsense mediated decay, either by premature stop or splice defect, in a gene for which loss-of-function is a known mechanism of disease (PMID: 22632462); Truncating variants in this gene are considered pathogenic by a well-established clinical consortium and/or database; Not observed at significant frequency in large population cohorts (gnomAD); This variant is associated with the following publications: (PMID: 20104584, 30350268, 32623769, 22632462, 17899372, 26296701, 26287763, 23893897, 30039884, 29202330, 32926152, 30787465, 35858847, 38646498)

Labcorp Genetics (formerly Invitae), Labcorp
Classification: Pathogenic for Hereditary breast ovarian cancer syndrome. Last evaluated: 2025-06-16. Review status: criteria provided, single submitter. Criteria: Invitae Variant Classification Sherloc (09022015). Collection method: clinical testing. Allele origin: germline. Not counted in ClinVar's aggregate classification.
Comment: This sequence change creates a premature translational stop signal (p.Trp2990*) in the BRCA2 gene. It is expected to result in an absent or disrupted protein product. Loss-of-function variants in BRCA2 are known to be pathogenic (PMID: 20104584). This variant is not present in population databases (gnomAD no frequency). This premature translational stop signal has been observed in individual(s) with breast cancer (PMID: 20104584, 26287763, 26296701). This variant is also known as 9197G>A. ClinVar contains an entry for this variant (Variation ID: 126195). Studies have shown that this premature translational stop signal is associated with inconclusive levels of altered splicing (internal data). For these reasons, this variant has been classified as Pathogenic.

Ambry Genetics
Classification: Pathogenic for Hereditary cancer-predisposing syndrome. Last evaluated: 2024-11-01. Review status: criteria provided, single submitter. Criteria: Ambry Variant Classification Scheme 2023. Collection method: clinical testing. Allele origin: germline. Not counted in ClinVar's aggregate classification.
Comment: The p.W2990* pathogenic mutation (also known as c.8969G>A), located in coding exon 22 of the BRCA2 gene, results from a G to A substitution at nucleotide position 8969. This changes the amino acid from a tryptophan to a stop codon within coding exon 22. This pathogenic mutation has been reported in multiple women with early-onset and/or familial breast cancer (Borg A et al. Hum. Mutat. 2010 Mar; 31(3):E1200-40; Ellingson MS et al. Breast Cancer Res. Treat. 2015 Sep;153(2):435-43; Pal T et al. Cancer 2015 Dec;121(23):4173-80; Ryu JM et al. Breast Cancer Res Treat, 2019 Jan;173:385-395; Yadav S et al. J Clin Oncol, 2020 05;38:1409-1418; Dong L et al. Hum Mutat, 2018 10;39:1442-1455). This variant is considered to be rare based on population cohorts in the Genome Aggregation Database (gnomAD). In addition to the clinical data presented in the literature, this alteration is expected to result in loss of function by premature protein truncation or nonsense-mediated mRNA decay. As such, this alteration is interpreted as a disease-causing mutation.

Baylor Genetics
Classification: Pathogenic for Familial cancer of breast. Last evaluated: 2022-05-13. Review status: criteria provided, single submitter. Criteria: ACMG Guidelines, 2015. Collection method: clinical testing. Allele origin: unknown. Not counted in ClinVar's aggregate classification.

Women's Health and Genetics/Laboratory Corporation of America, LabCorp
Classification: Pathogenic for Hereditary breast and ovarian cancer syndrome. Last evaluated: 2020-07-03. Review status: criteria provided, single submitter. Criteria: LabCorp Variant Classification Summary - May 2015. Collection method: clinical testing. Allele origin: germline. Not counted in ClinVar's aggregate classification.
Comment: Variant summary: BRCA2 c.8969G>A (p.Trp2990X) results in a premature termination codon, predicted to cause a truncation of the encoded protein or absence of the protein due to nonsense mediated decay, which are commonly known mechanisms for disease. Truncations downstream of this position have been classified as pathogenic by our laboratory. The variant was absent in 250750 control chromosomes. c.8969G>A has been reported in the literature in individuals affected with Hereditary Breast And Ovarian Cancer Syndrome and as a somatic occurrence in at-least one patient with triple negative breast cancer (TNBC) (example, Borg_2010, Ellingson_2015, Pal_2015, Pop_2018, Ryu_2019). These data indicate that the variant is likely to be associated with disease. To our knowledge, no experimental evidence demonstrating an impact on protein function has been reported. Four clinical diagnostic laboratories and one expert panel (ENIGMA) have submitted clinical-significance assessments for this variant to ClinVar after 2014 without evidence for independent evaluation. All submitters classified the variant as pathogenic. Based on the evidence outlined above, the variant was classified as pathogenic.

Quest Diagnostics Nichols Institute San Juan Capistrano
Classification: Pathogenic. Last evaluated: 2017-05-12. Review status: criteria provided, single submitter. Criteria: Quest Diagnostics criteria. Collection method: clinical testing. Allele origin: germline. Not counted in ClinVar's aggregate classification.

Sharing Clinical Reports Project (SCRP)
Classification: Pathogenic for Breast-ovarian cancer, familial 2. Last evaluated: 2010-01-21. Review status: no assertion criteria provided. Collection method: clinical testing. Allele origin: germline. Not counted in ClinVar's aggregate classification.

Breast Cancer Information Core (BIC) (BRCA2)
Classification: Pathogenic for Breast-ovarian cancer, familial 2. Last evaluated: 2002-05-29. Review status: no assertion criteria provided. Collection method: clinical testing. Allele origin: germline. Affected: yes. Observed: 2 variant alleles. Not counted in ClinVar's aggregate classification.

Literature cited by the submitters: PubMed 20104584 (cited by 4 submitters); PubMed 26287763 (cited by 4 submitters); PubMed 26296701 (cited by 4 submitters); PubMed 30039884 (cited by Ambry Genetics); PubMed 30350268 (cited by Ambry Genetics and Women's Health and Genetics/Laboratory Corporation of America, LabCorp); PubMed 32125938 (cited by Ambry Genetics); PubMed 29202330 (cited by Women's Health and Genetics/Laboratory Corporation of America, LabCorp); PubMed 17899372 (cited by Quest Diagnostics Nichols Institute San Juan Capistrano); PubMed 22632462 (cited by Quest Diagnostics Nichols Institute San Juan Capistrano).